The following is an entry in ClinVar:

NM_021096.4(CACNA1I):c.6494C>T (p.Pro2165Leu)

Gene: CACNA1I (calcium voltage-gated channel subunit alpha1 I; plus strand). Cytogenetic location: 22q13.1.
Variant type: single nucleotide variant.
Coding change: c.6494C>T on transcript NM_021096.4 (MANE Select); coding-DNA position 6494, C replaced by T.
Protein change: p.Pro2165Leu; replaces proline 2165 with leucine.
Molecular consequence: missense variant.
Genome position (GRCh38, 1-based): chr22:39,686,227, C>T. VCF-style: chr22-39686227-C-T. GRCh37 (hg19) VCF-style: chr22-40082232-C-T.
Other names: c.6389C>T, p.Pro2130Leu (NM_001003406.2); short protein forms P2130L, P2165L.
Identifiers: ClinVar variation 3893350 (VCV003893350.1).

ClinVar aggregate classification (germline): Uncertain significance (1 of 4 stars; one submission).

Submission:

GeneDx
Classification: Uncertain significance. Last evaluated: 2024-10-24. Review status: criteria provided, single submitter. Criteria: GeneDx Variant Classification Process June 2021. Collection method: clinical testing. Allele origin: germline. Affected: yes.
Comment: Not observed at significant frequency in large population cohorts (gnomAD); In silico analysis indicates that this missense variant does not alter protein structure/function; Has not been previously published as pathogenic or benign to our knowledge